The following is an entry in ClinVar:

NM_001378778.1(MPDZ):c.4402A>G (p.Thr1468Ala)

Gene: MPDZ (multiple PDZ domain crumbs cell polarity complex component; minus strand). Cytogenetic location: 9p23.
Variant type: single nucleotide variant.
Coding change: c.4402A>G on transcript NM_001378778.1 (MANE Select); coding-DNA position 4402, A replaced by G.
Protein change: p.Thr1468Ala; replaces threonine 1468 with alanine.
Molecular consequence: missense variant.
Genome position (GRCh38, 1-based): chr9:13,133,886, T>C on the plus strand (A>G on the coding strand, the complement: MPDZ is on the minus strand). VCF-style: chr9-13133886-T-C. GRCh37 (hg19) VCF-style: chr9-13133885-T-C.
Other names: c.4303A>G, p.Thr1435Ala (NM_001261406.2, NM_001261407.2, NM_001375416.1 and 3 more transcripts); c.4402A>G, p.Thr1468Ala (NM_001330637.2, NM_003829.5); c.4501A>G, p.Thr1501Ala (NM_001375413.1); c.4192A>G, p.Thr1398Ala (NM_001375420.1, NM_001375421.1, NM_001375422.1 and 4 more transcripts); c.3994A>G, p.Thr1332Ala (NM_001375427.1); c.4402A>G (NM_003829.3); short protein forms T1435A, T1501A, T1332A, T1398A, T1468A.
Identifiers: ClinVar variation 2187240 (VCV002187240.5), dbSNP rs753428524, ClinGen allele CA4986719.
Genomic context (GRCh38, chr9:13,133,886, plus strand): 5'-TGGGAAGCTCCAGATGTTGCACATTTTTAAATGAACTGAGGTCCACAGCTGCATCAGAAG[T>C]AGTAACAGTTGGCTCTGTCTGACAGAGGGAAAGAAATGACAAAAAGAGCAACTGAGTGTT-3'
Protein context (NP_001365707.1, residues 1458-1478): QNKETEPTVT[Thr1468Ala]SDAAVDLSSF

ClinVar aggregate classification (germline): Uncertain significance. Review status: criteria provided, multiple submitters, no conflicts (2 of 4 stars). 2 submissions from 2 submitters: Uncertain significance (2). Last evaluated 2025-09-24.

Conditions:
Inborn genetic diseases. Identifiers: MedGen C0950123, MeSH D030342.

Allele frequency attached by ClinVar (database versions not stated): gnomAD 0.00001; TOPMed 0.00003.
gnomAD v4.1: 5 of 1,590,626 alleles (0.00031%); highest among the groups gnomAD compares: Admixed American, 0.0034%; no homozygotes.

Submissions (2):

Labcorp Genetics (formerly Invitae), Labcorp
Classification: Uncertain significance. Last evaluated: 2025-09-24. Review status: criteria provided, single submitter. Criteria: Invitae Variant Classification Sherloc (09022015). Collection method: clinical testing. Allele origin: germline.
Comment: This sequence change replaces threonine, which is neutral and polar, with alanine, which is neutral and non-polar, at codon 1468 of the MPDZ protein (p.Thr1468Ala). This variant is present in population databases (rs753428524, gnomAD 0.003%). This variant has not been reported in the literature in individuals affected with MPDZ-related conditions. ClinVar contains an entry for this variant (Variation ID: 2187240). An algorithm developed to predict the effect of missense changes on protein structure and function outputs the following: PolyPhen-2: "Benign". The alanine amino acid residue is found in multiple mammalian species, which suggests that this missense change does not adversely affect protein function. In summary, the available evidence is currently insufficient to determine the role of this variant in disease. Therefore, it has been classified as a Variant of Uncertain Significance.

Ambry Genetics
Classification: Uncertain significance for Inborn genetic diseases. Last evaluated: 2022-06-24. Review status: criteria provided, single submitter. Criteria: Ambry Variant Classification Scheme 2023. Collection method: clinical testing. Allele origin: germline.